The following is an entry in ClinVar:

ClinVar aggregate classification (germline): Likely benign. Review status: criteria provided, single submitter (1 of 4 stars). 2 submissions from 2 submitters: Likely benign (1). 1 of the submissions does not count toward it. Last evaluated 2025-12-13.

Conditions:
PFN1-related disorder. Also called: PFN1-related condition.

gnomAD v4.1: 17 of 1,613,572 alleles (0.0011%); highest among the groups gnomAD compares: Middle Eastern, 0.05%; 1 homozygote.

Submissions (2):

Labcorp Genetics (formerly Invitae), Labcorp
Classification: Likely benign. Last evaluated: 2025-12-13. Review status: criteria provided, single submitter. Criteria: Invitae Variant Classification Sherloc (09022015). Collection method: clinical testing. Allele origin: germline.

PreventionGenetics, part of Exact Sciences
Classification: Likely benign for PFN1-related condition. Last evaluated: 2022-11-09. Review status: no assertion criteria provided. Collection method: clinical testing. Allele origin: germline. Not counted in ClinVar's aggregate classification.
Comment: This variant is classified as likely benign based on ACMG/AMP sequence variant interpretation guidelines (Richards et al. 2015 PMID: 25741868, with internal and published modifications).

NM_005022.4(PFN1):c.294C>G (p.Thr98=)

Gene: PFN1 (profilin 1; minus strand). Cytogenetic location: 17p13.2.
Variant type: single nucleotide variant.
Coding change: c.294C>G on transcript NM_005022.4 (MANE Select); coding-DNA position 294, C replaced by G.
Protein change: p.Thr98=; no amino-acid change (threonine 98 retained).
Molecular consequence: synonymous variant.
Genome position (GRCh38, 1-based): chr17:4,946,659, G>C on the plus strand (C>G on the coding strand, the complement: PFN1 is on the minus strand). VCF-style: chr17-4946659-G-C. GRCh37 (hg19) VCF-style: chr17-4849954-G-C.
Other names: c.294C>G, p.Thr98= (NM_001375991.1).
Identifiers: ClinVar variation 3355166 (VCV003355166.2).